The following is an entry in ClinVar:

NM_001098.3(ACO2):c.805G>A (p.Gly269Arg)

Gene: ACO2 (aconitase 2; plus strand). Cytogenetic location: 22q13.2.
Variant type: single nucleotide variant.
Coding change: c.805G>A on transcript NM_001098.3 (MANE Select); coding-DNA position 805, G replaced by A.
Protein change: p.Gly269Arg; replaces glycine 269 with arginine.
Molecular consequence: missense variant.
Genome position (GRCh38, 1-based): chr22:41,515,887, G>A. VCF-style: chr22-41515887-G-A. GRCh37 (hg19) VCF-style: chr22-41911891-G-A.
Other names: c.805G>A (NM_001098.2); short protein forms G269R.
Identifiers: ClinVar variation 998924 (VCV000998924.9), dbSNP rs2066472425, ClinGen allele CA411720669.

ClinVar aggregate classification (germline): Uncertain significance. Review status: criteria provided, multiple submitters, no conflicts (2 of 4 stars). 2 submissions from 2 submitters: Uncertain significance (2). Last evaluated 2024-05-29.

Submissions (2):

GeneDx
Classification: Uncertain significance. Last evaluated: 2024-05-29. Review status: criteria provided, single submitter. Criteria: GeneDx Variant Classification Process June 2021. Collection method: clinical testing. Allele origin: germline. Affected: yes.
Comment: Not observed at significant frequency in large population cohorts (gnomAD); In silico analysis supports that this missense variant has a deleterious effect on protein structure/function; Has not been previously published as pathogenic or benign to our knowledge

Labcorp Genetics (formerly Invitae), Labcorp
Classification: Uncertain significance. Last evaluated: 2022-03-10. Review status: criteria provided, single submitter. Criteria: Invitae Variant Classification Sherloc (09022015). Collection method: clinical testing. Allele origin: germline.
Comment: This variant has not been reported in the literature in individuals affected with ACO2-related conditions. ClinVar contains an entry for this variant (Variation ID: 998924). Advanced modeling of protein sequence and biophysical properties (such as structural, functional, and spatial information, amino acid conservation, physicochemical variation, residue mobility, and thermodynamic stability) performed at Invitae indicates that this missense variant is expected to disrupt ACO2 protein function. This sequence change replaces glycine, which is neutral and non-polar, with arginine, which is basic and polar, at codon 269 of the ACO2 protein (p.Gly269Arg). This variant is not present in population databases (gnomAD no frequency). Algorithms developed to predict the effect of sequence changes on RNA splicing suggest that this variant may create or strengthen a splice site. In summary, the available evidence is currently insufficient to determine the role of this variant in disease. Therefore, it has been classified as a Variant of Uncertain Significance.